The following is an entry in ClinVar:

ClinVar aggregate classification (germline): Pathogenic. Review status: criteria provided, single submitter (1 of 4 stars). 2 submissions from 2 submitters: Pathogenic (1). 1 of the submissions does not count toward it. Last evaluated 2026-02-15.

Conditions:
Tyrosinase-positive oculocutaneous albinism (OCA2). Also called: ALBINISM II; Oculocutaneous albinism type 2; Albinism, oculocutaneous, type II. Identifiers: Orphanet 79432, MedGen C0268495, MONDO:0008746, OMIM 203200.

Submissions (2):

GeneDx
Classification: Pathogenic. Last evaluated: 2026-02-15. Review status: criteria provided, single submitter. Criteria: GeneDx Variant Classification Process June 2021. Collection method: clinical testing. Allele origin: germline.
Comment: Frameshift variant predicted to result in protein truncation or nonsense mediated decay in a gene for which loss of function is a known mechanism of disease; Not observed at significant frequency in large population cohorts (gnomAD); This variant is associated with the following publications: (PMID: 37882226, 8302318)

OMIM
Classification: Pathogenic for ALBINISM, OCULOCUTANEOUS, TYPE II. Last evaluated: 1994-02-24. Review status: no assertion criteria provided. Collection method: literature only. Allele origin: germline. Not counted in ClinVar's aggregate classification.

Literature cited by the submitters: PubMed 8302318 (cited by OMIM).

NM_000275.3(OCA2):c.1960del (p.Ala654fs)

Gene: OCA2 (OCA2 melanosomal transmembrane protein; minus strand). Cytogenetic location: 15q13.1.
Variant type: Deletion.
Coding change: c.1960del on transcript NM_000275.3 (MANE Select); coding-DNA position 1960, one base deleted (G; older notation c.1960delG).
Protein change: p.Ala654fs; shifts the reading frame from alanine 654.
Molecular consequence: frameshift variant.
Genome position (GRCh38, 1-based): chr15:27,926,246, C deleted on the plus strand (G on the coding strand, the reverse complement: OCA2 is on the minus strand). VCF-style (leftmost placement, unchanged base first): chr15-27926245-GC-G. GRCh37 (hg19) VCF-style: chr15-28171391-GC-G.
Other names: c.1888del, p.Ala630fs (NM_001300984.2); short protein forms A654fs, A630fs.
Identifiers: ClinVar variation 957 (VCV000000957.2), dbSNP rs387906241, ClinGen allele CA251636.